The following is an entry in ClinVar:

ClinVar aggregate classification (germline): Uncertain significance. Review status: criteria provided, multiple submitters, no conflicts (2 of 4 stars). 4 submissions from 4 submitters: Uncertain significance (3). 1 of the submissions does not count toward it. Last evaluated 2026-08-06.

Conditions:
Cardiovascular phenotype. Identifiers: MedGen CN230736.
Hypertrophic cardiomyopathy 18. Identifiers: MedGen C3151265, MONDO:0013475, OMIM 613874.
Dilated cardiomyopathy 1P (CMD1P). Identifiers: Orphanet 154, MedGen C1835928, MONDO:0012362, OMIM 609909.

Allele frequency attached by ClinVar (database versions not stated): gnomAD exomes below 0.00001 and 0.00001.
gnomAD v4.1: 5 of 1,611,704 alleles (0.00031%); highest among the groups gnomAD compares: Non-Finnish European, 0.00042%; no homozygotes.

Submissions (4):

OLLIN Analises Genomicas, OLLIN
Classification: Uncertain significance for Hypertrophic cardiomyopathy 18. Last evaluated: 2026-08-06. Review status: criteria provided, single submitter. Criteria: ACMG Guidelines 2015 PMID 25741868. Collection method: clinical testing. Allele origin: germline.
Comment: This missense variant, located in exon 2 (of 2), has been reported in ClinVar (accession VCV000202184.8) and in gnomAD with an allele frequency of 0.00031%. However, to our knowledge, it has not been reported in the scientific literature. In silico analysis predicts that this variant has a deleterious effect. According to the currently available evidence, this variant has been classified as uncertain significance (PM2_P, PP3_S).

Labcorp Genetics (formerly Invitae), Labcorp
Classification: Uncertain significance for Dilated cardiomyopathy 1P. Last evaluated: 2025-10-28. Review status: criteria provided, single submitter. Criteria: Invitae Variant Classification Sherloc (09022015). Collection method: clinical testing. Allele origin: germline.
Comment: This sequence change replaces leucine, which is neutral and non-polar, with proline, which is neutral and non-polar, at codon 44 of the PLN protein (p.Leu44Pro). This variant is present in population databases (rs794729210, gnomAD 0.0009%). This variant has not been reported in the literature in individuals affected with PLN-related conditions. ClinVar contains an entry for this variant (Variation ID: 202184). An algorithm developed to predict the effect of missense changes on protein structure and function (PolyPhen-2) suggests that this variant is likely to be disruptive. In summary, the available evidence is currently insufficient to determine the role of this variant in disease. Therefore, it has been classified as a Variant of Uncertain Significance.

Ambry Genetics
Classification: Uncertain significance for Cardiovascular phenotype. Last evaluated: 2022-06-29. Review status: criteria provided, single submitter. Criteria: Ambry Variant Classification Scheme 2023. Collection method: clinical testing. Allele origin: germline.
Comment: The p.L44P variant (also known as c.131T>C), located in coding exon 1 of the PLN gene, results from a T to C substitution at nucleotide position 131. The leucine at codon 44 is replaced by proline, an amino acid with similar properties. This amino acid position is highly conserved in available vertebrate species. In addition, this alteration is predicted to be deleterious by in silico analysis. Since supporting evidence is limited at this time, the clinical significance of this alteration remains unclear.

Mendelics
Classification: Uncertain significance for Hypertrophic cardiomyopathy 18. Last evaluated: 2016-05-13. Review status: no assertion criteria provided. Collection method: clinical testing. Allele origin: unknown. Affected: yes. Not counted in ClinVar's aggregate classification.

Literature cited by the submitters: PubMed 12610310 (cited by Mendelics); PubMed 16829191 (cited by Mendelics).

NM_002667.5(PLN):c.131T>C (p.Leu44Pro)

Genes: CEP85L (centrosomal protein 85L; minus strand), PLN (phospholamban; plus strand). Cytogenetic location: 6q22.31.
Variant type: single nucleotide variant.
Coding change: c.131T>C on transcript NM_002667.5 (MANE Select); coding-DNA position 131, T replaced by C.
Protein change: p.Leu44Pro; replaces leucine 44 with proline.
Molecular consequence: missense variant. On other transcripts: intron variant (3).
Genome position (GRCh38, 1-based): chr6:118,559,052, T>C. VCF-style: chr6-118559052-T-C. GRCh37 (hg19) VCF-style: chr6-118880215-T-C.
Other names: c.1029+6477A>G (NM_001178035.2); c.1020+6477A>G (NM_001042475.3, NM_206921.3); short protein forms L44P.
Identifiers: ClinVar variation 202184 (VCV000202184.9), dbSNP rs794729210, ClinGen allele CA275472.